The following is an entry in ClinVar:

ClinVar aggregate classification (germline): Likely benign. Review status: criteria provided, multiple submitters, no conflicts (2 of 4 stars). 3 submissions from 3 submitters: Likely benign (3). Last evaluated 2023-11-28.

Conditions:
Familial thoracic aortic aneurysm and aortic dissection (TAAD). Also called: Thoracic aortic aneurysms and dissections. Identifiers: Orphanet 91387, MedGen C4707243, MONDO:0019625.
Aortic aneurysm, familial thoracic 6 (AAT6). Also called: FAMILIAL THORACIC AORTIC ANEURYSM WITH LIVEDO RETICULARIS AND IRIS FLOCCULI. Identifiers: MedGen C2673186, MONDO:0012730, OMIM 611788.

Allele frequency attached by ClinVar (database versions not stated): gnomAD exomes below 0.00001.
gnomAD v4.1: 2 of 1,613,840 alleles (0.00012%); highest among the groups gnomAD compares: Non-Finnish European, 0.00017%; no homozygotes.

Submissions (3):

All of Us Research Program, National Institutes of Health
Classification: Likely benign for Familial thoracic aortic aneurysm and aortic dissection. Last evaluated: 2023-11-28. Review status: criteria provided, single submitter. Criteria: ACMG Guidelines, 2015. Collection method: clinical testing. Allele origin: germline. Inheritance: Autosomal dominant inheritance. Observed: 2 variant alleles, 2 heterozygotes.
Comment: This study involves interpretation of variants in research participants for the purpose of population health screening. Participant phenotype was not available at the time of variant classification. Additional details can be found in publication PMID: 35346344, PMCID: PMC8962531

Color Diagnostics, LLC DBA Color Health
Classification: Likely benign for Familial thoracic aortic aneurysm and aortic dissection. Last evaluated: 2023-05-31. Review status: criteria provided, single submitter. Criteria: ACMG Guidelines, 2015. Collection method: clinical testing. Allele origin: germline.

Labcorp Genetics (formerly Invitae), Labcorp
Classification: Likely benign for Aortic aneurysm, familial thoracic 6. Last evaluated: 2019-05-07. Review status: criteria provided, single submitter. Criteria: Invitae Variant Classification Sherloc (09022015). Collection method: clinical testing. Allele origin: germline.

NM_001613.4(ACTA2):c.348C>T (p.Ala116=)

Gene: ACTA2 (actin alpha 2, smooth muscle; minus strand). Cytogenetic location: 10q23.31.
Variant type: single nucleotide variant.
Coding change: c.348C>T on transcript NM_001613.4 (MANE Select); coding-DNA position 348, C replaced by T.
Protein change: p.Ala116=; no amino-acid change (alanine 116 retained).
Molecular consequence: synonymous variant. On other transcripts: intron variant (1).
Genome position (GRCh38, 1-based): chr10:88,943,818, G>A on the plus strand (C>T on the coding strand, the complement: ACTA2 is on the minus strand). VCF-style: chr10-88943818-G-A. GRCh37 (hg19) VCF-style: chr10-90703575-G-A.
Other names: c.348C>T, p.Ala116= (NM_001141945.3, NM_001320855.2, NM_001406462.1 and 3 more transcripts); c.219C>T, p.Ala73= (NM_001406467.1, NM_001406468.1, NM_001406469.1); c.259-1949C>T (NM_001406466.1).
Identifiers: ClinVar variation 1115912 (VCV001115912.12), dbSNP rs2133261262, ClinGen allele CA470735468.